The following is an entry in ClinVar:

NM_013352.4(DSE):c.1491C>T (p.Pro497=)

Gene: DSE (dermatan sulfate epimerase; plus strand). Cytogenetic location: 6q22.1.
Variant type: single nucleotide variant.
Coding change: c.1491C>T on transcript NM_013352.4 (MANE Select); coding-DNA position 1491, C replaced by T.
Protein change: p.Pro497=; no amino-acid change (proline 497 retained).
Molecular consequence: synonymous variant. On other transcripts: 3 prime UTR variant (2), non-coding transcript variant (1).
Genome position (GRCh38, 1-based): chr6:116,435,959, C>T. VCF-style: chr6-116435959-C-T. GRCh37 (hg19) VCF-style: chr6-116757122-C-T.
Other names: c.1491C>T, p.Pro497= (NM_001080976.3, NM_001322937.2, NM_001322938.2); c.1548C>T, p.Pro516= (NM_001322939.2); c.930C>T, p.Pro310= (NM_001322940.2, NM_001322941.2); c.*356C>T (NM_001322943.2, NM_001322944.2); c.492C>T, p.Pro164= (NM_001374520.1); c.456C>T, p.Pro152= (NM_001374521.1); c.1491C>T (NM_013352.3).
Identifiers: ClinVar variation 1531862 (VCV001531862.11), dbSNP rs768130032, ClinGen allele CA3969673.

ClinVar aggregate classification (germline): Likely benign. Review status: criteria provided, multiple submitters, no conflicts (2 of 4 stars). 3 submissions from 3 submitters: Likely benign (2). 1 of the submissions does not count toward it. Last evaluated 2024-08-14.

Conditions:
Ehlers-Danlos syndrome, musculocontractural type 2 (EDSMC2). Identifiers: Orphanet 2953, MedGen C3809845, MONDO:0014236, OMIM 615539.
DSE-related disorder. Also called: DSE-related condition.

Allele frequency attached by ClinVar (database versions not stated): gnomAD exomes below 0.00001; TOPMed below 0.00001; ExAC 0.00001; gnomAD 0.00001.
gnomAD v4.1: 6 of 1,613,994 alleles (0.00037%); highest among the groups gnomAD compares: Admixed American, 0.0017%; no homozygotes.

Submissions (3):

Women's Health and Genetics/Laboratory Corporation of America, LabCorp
Classification: Likely benign. Last evaluated: 2024-08-14. Review status: criteria provided, single submitter. Criteria: LabCorp Variant Classification Summary - May 2015. Collection method: clinical testing. Allele origin: germline.

Labcorp Genetics (formerly Invitae), Labcorp
Classification: Likely benign for Ehlers-Danlos syndrome, musculocontractural type 2. Last evaluated: 2024-03-04. Review status: criteria provided, single submitter. Criteria: Invitae Variant Classification Sherloc (09022015). Collection method: clinical testing. Allele origin: germline.

PreventionGenetics, part of Exact Sciences
Classification: Likely benign for DSE-related condition. Last evaluated: 2023-07-31. Review status: no assertion criteria provided. Collection method: clinical testing. Allele origin: germline. Not counted in ClinVar's aggregate classification.
Comment: This variant is classified as likely benign based on ACMG/AMP sequence variant interpretation guidelines (Richards et al. 2015 PMID: 25741868, with internal and published modifications).